The following is an entry in ClinVar:

ClinVar aggregate classification (germline): Uncertain significance (0 of 4 stars; one submission).

Conditions:
RTEL1-related disorder. Also called: RTEL1-related condition; RTEL1-related disorders.

Submission:

PreventionGenetics, part of Exact Sciences
Classification: Uncertain significance for RTEL1-related condition. Last evaluated: 2024-03-25. Review status: no assertion criteria provided. Collection method: clinical testing. Allele origin: germline.
Comment: The RTEL1 c.695C>G variant is predicted to result in the amino acid substitution p.Pro232Arg. To our knowledge, this variant has not been reported in the literature or in a large population database, indicating this variant is rare. At this time, the clinical significance of this variant is uncertain due to the absence of conclusive functional and genetic evidence.

NM_001283009.2(RTEL1):c.623C>G (p.Pro208Arg)

Genes: RTEL1 (regulator of telomere elongation helicase 1; plus strand), RTEL1-TNFRSF6B (RTEL1-TNFRSF6B readthrough (NMD candidate); plus strand). Cytogenetic location: 20q13.33.
Variant type: single nucleotide variant.
Coding change: c.623C>G on transcript NM_001283009.2 (MANE Select); coding-DNA position 623, C replaced by G.
Protein change: p.Pro208Arg; replaces proline 208 with arginine.
Molecular consequence: missense variant. On other transcripts: non-coding transcript variant (1), 5 prime UTR variant (1).
Genome position (GRCh38, 1-based): chr20:63,667,477, C>G. VCF-style: chr20-63667477-C-G. GRCh37 (hg19) VCF-style: chr20-62298830-C-G.
Other names: c.-47C>G (NM_001283010.1); c.623C>G, p.Pro208Arg (NM_016434.4); c.695C>G, p.Pro232Arg (NM_032957.5); short protein forms P208R, P232R.
Identifiers: ClinVar variation 3350156 (VCV003350156.1).